The following is an entry in ClinVar:

ClinVar aggregate classification (germline): Uncertain significance. Review status: criteria provided, multiple submitters, no conflicts (2 of 4 stars). 4 submissions from 4 submitters: Uncertain significance (4). Last evaluated 2025-09-27.

Conditions:
DIS3L2-related disorder. Also called: DIS3L2-related condition.
Perlman syndrome (PRLMNS). Identifiers: Orphanet 2849, MedGen C0796113, MONDO:0009965, OMIM 267000.

Allele frequency attached by ClinVar (database versions not stated): gnomAD 0.00003; gnomAD exomes 0.00003 and 0.00012; ESP Exome Variant Server 0.00008; TOPMed 0.00009; ExAC 0.00011; 1000 Genomes Project 30x 0.00016; 1000 Genomes Project 0.00020.
gnomAD v4.1: 49 of 1,613,576 alleles (0.003%); highest among the groups gnomAD compares: Admixed American, 0.05%; no homozygotes.

Submissions (4):

Labcorp Genetics (formerly Invitae), Labcorp
Classification: Uncertain significance for Perlman syndrome. Last evaluated: 2025-09-27. Review status: criteria provided, single submitter. Criteria: Invitae Variant Classification Sherloc (09022015). Collection method: clinical testing. Allele origin: germline.
Comment: This sequence change replaces arginine, which is basic and polar, with cysteine, which is neutral and slightly polar, at codon 576 of the DIS3L2 protein (p.Arg576Cys). This variant is present in population databases (rs374385308, gnomAD 0.06%). This variant has not been reported in the literature in individuals affected with DIS3L2-related conditions. ClinVar contains an entry for this variant (Variation ID: 463070). Invitae Evidence Modeling of protein sequence and biophysical properties (such as structural, functional, and spatial information, amino acid conservation, physicochemical variation, residue mobility, and thermodynamic stability) indicates that this missense variant is expected to disrupt DIS3L2 protein function with a positive predictive value of 80%. In summary, the available evidence is currently insufficient to determine the role of this variant in disease. Therefore, it has been classified as a Variant of Uncertain Significance.

GeneDx
Classification: Uncertain significance. Last evaluated: 2025-01-02. Review status: criteria provided, single submitter. Criteria: GeneDx Variant Classification Process June 2021. Collection method: clinical testing. Allele origin: germline. Affected: yes.
Comment: In silico analysis supports that this missense variant has a deleterious effect on protein structure/function; Has not been previously published as pathogenic or benign to our knowledge

Fulgent Genetics
Classification: Uncertain significance for Perlman syndrome. Last evaluated: 2024-05-26. Review status: criteria provided, single submitter. Criteria: ACMG Guidelines, 2015. Collection method: clinical testing. Allele origin: germline.

PreventionGenetics, part of Exact Sciences
Classification: Uncertain significance for DIS3L2-related condition. Last evaluated: 2023-08-02. Review status: criteria provided, single submitter. Criteria: ACMG Guidelines, 2015. Collection method: clinical testing. Allele origin: germline.
Comment: The DIS3L2 c.1726C>T variant is predicted to result in the amino acid substitution p.Arg576Cys. To our knowledge, this variant has not been reported in the literature. This variant is reported in 0.074% of alleles in individuals of Latino descent in gnomAD. In ClinVar, this variant is interpreted as uncertain by a single laboratory. Although we suspect that this variant may be benign (based on minor allele frequency), at this time, the clinical significance of this variant is uncertain due to the absence of conclusive functional and genetic evidence.

NM_152383.5(DIS3L2):c.1726C>T (p.Arg576Cys)

Gene: DIS3L2 (DIS3 like 3'-5' exoribonuclease 2; plus strand). Cytogenetic location: 2q37.1.
Variant type: single nucleotide variant.
Coding change: c.1726C>T on transcript NM_152383.5 (MANE Select); coding-DNA position 1726, C replaced by T.
Protein change: p.Arg576Cys; replaces arginine 576 with cysteine.
Molecular consequence: missense variant. On other transcripts: non-coding transcript variant (2), intron variant (1).
Genome position (GRCh38, 1-based): chr2:232,300,106, C>T. VCF-style: chr2-232300106-C-T. GRCh37 (hg19) VCF-style: chr2-233164816-C-T.
Other names: c.1581+36744C>T (NM_001257281.2); short protein forms R576C.
Identifiers: ClinVar variation 463070 (VCV000463070.12), dbSNP rs374385308, ClinGen allele CA2164243.